The following is an entry in ClinVar:

ClinVar aggregate classification (germline): Likely benign. Review status: criteria provided, multiple submitters, no conflicts (2 of 4 stars). 2 submissions from 2 submitters: Likely benign (2). Last evaluated 2017-04-27.

Conditions:
Pontocerebellar hypoplasia type 2D (PCH2D). Also called: Progressive cerebello-cerebral atrophy. Identifiers: Orphanet 247198, Orphanet 2524, MedGen C3151140, MONDO:0013438, OMIM 613811.

Allele frequency attached by ClinVar (database versions not stated): gnomAD 0.08857 and 0.09359; TOPMed 0.09426; 1000 Genomes Project 30x 0.10134; 1000 Genomes Project 0.10164; gnomAD exomes 0.12019.
gnomAD v4.1: 16,976 of 174,962 alleles (9.7%); highest among the groups gnomAD compares: South Asian, 20%; 1,056 homozygotes.

Submissions (2):

Illumina Laboratory Services, Illumina
Classification: Likely benign for Pontocerebellar hypoplasia type 2D. Last evaluated: 2017-04-27. Review status: criteria provided, single submitter. Criteria: ICSL Variant Classification Criteria 13 December 2019. Collection method: clinical testing. Allele origin: germline.
Comment: This variant was observed as part of a predisposition screen in an ostensibly healthy population. A literature search was performed for the gene, cDNA change, and amino acid change (where applicable). No publications were found based on this search. Allele frequency data from public databases allowed determination this variant is unlikely to cause disease. Therefore, this variant is classified as likely benign.

Breakthrough Genomics
Classification: Likely benign. Review status: criteria provided, single submitter. Criteria: ACMG Guidelines, 2015. Collection method: not provided. Allele origin: germline. Inheritance: Autosomal recessive inheritance. Affected: yes.

NM_016955.4(SEPSECS):c.*455C>T

Gene: SEPSECS (Sep (O-phosphoserine) tRNA:Sec (selenocysteine) tRNA synthase; minus strand). Cytogenetic location: 4p15.2.
Variant type: single nucleotide variant.
Coding change: c.*455C>T on transcript NM_016955.4 (MANE Select); 455 bases downstream of the stop codon, C replaced by T.
Molecular consequence: 3 prime UTR variant.
Genome position (GRCh38, 1-based): chr4:25,123,476, G>A on the plus strand (C>T on the coding strand, the complement: SEPSECS is on the minus strand). VCF-style: chr4-25123476-G-A. GRCh37 (hg19) VCF-style: chr4-25125098-G-A.
Identifiers: ClinVar variation 348542 (VCV000348542.6), dbSNP rs73252520, ClinGen allele CA10620799.